The following is an entry in ClinVar:

ClinVar aggregate classification (germline): Conflicting classifications of pathogenicity. Review status: criteria provided, conflicting classifications (1 of 4 stars). 6 submissions from 6 submitters: Pathogenic (2); Likely pathogenic (1); Uncertain significance (1); Likely benign (2). Last evaluated 2026-01-27.

Conditions:
Nephronophthisis. Also called: Juvenile Nephronophthisis. Identifiers: Orphanet 655, MedGen C0687120, MONDO:0019005, HP:0000090.
Nephronophthisis 3 (NPHP3). Also called: Adolescent nephronophthisis. Identifiers: Orphanet 655, MedGen C1858392, MONDO:0011456, OMIM 604387.

Allele frequency attached by ClinVar (database versions not stated): TOPMed below 0.00001; ExAC 0.00001; gnomAD 0.00001; gnomAD exomes 0.00001.
gnomAD v4.1: 24 of 1,613,934 alleles (0.0015%); highest among the groups gnomAD compares: East Asian, 0.0089%; no homozygotes.

Submissions (6):

Labcorp Genetics (formerly Invitae), Labcorp
Classification: Pathogenic for Nephronophthisis. Last evaluated: 2026-01-27. Review status: criteria provided, single submitter. Criteria: Invitae Variant Classification Sherloc (09022015). Collection method: clinical testing. Allele origin: germline.
Comment: This sequence change affects codon 718 of the NPHP3 mRNA. It is a 'silent' change, meaning that it does not change the encoded amino acid sequence of the NPHP3 protein. This variant is present in population databases (rs558637226, gnomAD 0.005%). This variant has been observed in individual(s) with clinical features of nephronophthisis (PMID: 30002499; internal data). In at least one individual the data is consistent with being in trans (on the opposite chromosome) from a pathogenic variant. It has also been observed to segregate with disease in related individuals. ClinVar contains an entry for this variant (Variation ID: 262696). Algorithms developed to predict the effect of sequence changes on RNA splicing suggest that this variant is not likely to affect RNA splicing. For these reasons, this variant has been classified as Pathogenic.

3billion
Classification: Likely pathogenic for Nephronophthisis 3. Last evaluated: 2025-12-29. Review status: criteria provided, single submitter. Criteria: ACMG Guidelines, 2015. Collection method: clinical testing. Allele origin: germline. Affected: yes.
Comment: The variant is observed at an extremely low frequency in the gnomAD v4.1.0 dataset (total allele frequency: 0.001%). Predicted Consequence/Location: Synonymous variant Functional studies provide moderate evidence of the variant having a damaging effect on the gene or gene product (PMID: 30002499). In silico tools do not predict the variant to alter splicing and produce an abnormal transcript [SpliceAI: 0.02 (<=0.1, moderate evidence for non-spliceogenicity)]. The variant has been reported to be in trans with a pathogenic variant as either compound heterozygous or homozygous in at least one similarly affected unrelated individual (PMID: 30002499). The variant has been reported to co-segregate with the disease in at least one similarly affected relative/individual in the same family or similarly affected unrelated families (PMID: 30002499). The variant has been reported at least twice as pathogenic without evidence for the classification (ClinVar ID: VCV000262696 /PMID: 30002499 /3billion dataset). Therefore, this variant is classified as Likely pathogenic according to the recommendation of ACMG/AMP guideline.

MVZ Medizinische Genetik Mainz
Classification: Pathogenic for Nephronophthisis 3. Last evaluated: 2024-07-05. Review status: criteria provided, single submitter. Criteria: UK Practice Guidelines For Variant Classification V4 01 2020. Collection method: clinical testing. Allele origin: germline. Inheritance: Autosomal recessive inheritance. Affected: yes. Observed: 1 variant allele.
Comment: Compound Heterozygote

CeGaT Center for Human Genetics Tuebingen
Classification: Likely benign. Last evaluated: 2023-03-01. Review status: criteria provided, single submitter. Criteria: CeGaT Center For Human Genetics Tuebingen Variant Classification Criteria Version 2. Collection method: clinical testing. Allele origin: germline. Affected: yes. Observed: 1 variant allele.
Comment: NPHP3: BP4, BP7

Eurofins Ntd Llc (ga)
Classification: Uncertain significance. Last evaluated: 2016-08-02. Review status: criteria provided, single submitter. Criteria: EGL Classification Definitions 2015. Collection method: clinical testing. Allele origin: germline. Observed: 1 variant allele, 1 heterozygote.

PreventionGenetics, part of Exact Sciences
Classification: Likely benign. Review status: criteria provided, single submitter. Criteria: ACMG Guidelines, 2015. Collection method: clinical testing. Allele origin: germline.

Literature cited by the submitters: PubMed 30002499 (cited by Labcorp Genetics (formerly Invitae), Labcorp and 3billion).

NM_153240.5(NPHP3):c.2154C>T (p.Phe718=)

Genes: NPHP3-ACAD11 (NPHP3-ACAD11 readthrough (NMD candidate); minus strand), NPHP3 (nephrocystin 3; minus strand). Cytogenetic location: 3q22.1.
Variant type: single nucleotide variant.
Coding change: c.2154C>T on transcript NM_153240.5 (MANE Select); coding-DNA position 2154, C replaced by T.
Protein change: p.Phe718=; no amino-acid change (phenylalanine 718 retained).
Molecular consequence: synonymous variant. On other transcripts: non-coding transcript variant (1).
Genome position (GRCh38, 1-based): chr3:132,696,748, G>A on the plus strand (C>T on the coding strand, the complement: NPHP3 is on the minus strand). VCF-style: chr3-132696748-G-A. GRCh37 (hg19) VCF-style: chr3-132415592-G-A.
Identifiers: ClinVar variation 262696 (VCV000262696.42), dbSNP rs558637226, ClinGen allele CA2622104.